The following is an entry in ClinVar:

ClinVar aggregate classification (germline): Uncertain significance (1 of 4 stars; one submission).

Conditions:
Cardiovascular phenotype. Identifiers: MedGen CN230736.

Submission:

Ambry Genetics
Classification: Uncertain significance for Cardiovascular phenotype. Last evaluated: 2025-03-31. Review status: criteria provided, single submitter. Criteria: Ambry Variant Classification Scheme 2023. Collection method: clinical testing. Allele origin: germline.
Comment: The p.N1672D variant (also known as c.5014A>G), located in coding exon 32 of the MYH6 gene, results from an A to G substitution at nucleotide position 5014. The asparagine at codon 1672 is replaced by aspartic acid, an amino acid with highly similar properties. This amino acid position is conserved. In addition, this alteration is predicted to be tolerated by in silico analysis. Based on the available evidence, the clinical significance of this variant remains unclear.

NM_002471.4(MYH6):c.5014A>G (p.Asn1672Asp)

Genes: MYH6 (myosin heavy chain 6; minus strand), LOC126861896 (BRD4-independent group 4 enhancer GRCh37_chr14:23854904-23856103; plus strand). Cytogenetic location: 14q11.2.
Variant type: single nucleotide variant.
Coding change: c.5014A>G on transcript NM_002471.4 (MANE Select); coding-DNA position 5014, A replaced by G.
Protein change: p.Asn1672Asp; replaces asparagine 1672 with aspartic acid.
Molecular consequence: missense variant.
Genome position (GRCh38, 1-based): chr14:23,386,077, T>C on the plus strand (A>G on the coding strand, the complement: MYH6 is on the minus strand). VCF-style: chr14-23386077-T-C. GRCh37 (hg19) VCF-style: chr14-23855286-T-C.
Other names: short protein forms N1672D.
Identifiers: ClinVar variation 3915584 (VCV003915584.1).
Genomic context (GRCh38, chr14:23,386,077, plus strand): 5'-CACGCAGCTCCTCCAGCTCAGCCTGCAGCAGGTTGTTGCGCCGCTCCACGATGGCGATGT[T>C]CTCCTTCAGGTCGTCGTTGGCACGGACCGCATCGTCCAGCTGGATCTGGGTGTCCTGAGC-3'
Protein context (NP_002462.2, residues 1662-1682): AVRANDDLKE[Asn1672Asp]IAIVERRNNL